The following is an entry in ClinVar:

ClinVar aggregate classification (germline): Likely benign. Review status: criteria provided, single submitter (1 of 4 stars). 2 submissions from 2 submitters: Likely benign (1). 1 of the submissions does not count toward it. Last evaluated 2026-01-24.

Conditions:
SUCO-related disorder. Also called: SUCO-related condition.

Allele frequency attached by ClinVar (database versions not stated): gnomAD 0.00029 and 0.00027; gnomAD exomes 0.00018 and 0.00014; ESP Exome Variant Server 0.00008; ExAC 0.00011; TOPMed 0.00017.
gnomAD v4.1: 233 of 1,613,928 alleles (0.014%); highest among the groups gnomAD compares: Non-Finnish European, 0.018%; no homozygotes.

Submissions (2):

Labcorp Genetics (formerly Invitae), Labcorp
Classification: Likely benign. Last evaluated: 2026-01-24. Review status: criteria provided, single submitter. Criteria: Invitae Variant Classification Sherloc (09022015). Collection method: clinical testing. Allele origin: germline.

PreventionGenetics, part of Exact Sciences
Classification: Likely benign for SUCO-related condition. Last evaluated: 2020-02-24. Review status: no assertion criteria provided. Collection method: clinical testing. Allele origin: germline. Not counted in ClinVar's aggregate classification.
Comment: This variant is classified as likely benign based on ACMG/AMP sequence variant interpretation guidelines (Richards et al. 2015 PMID: 25741868, with internal and published modifications).

NM_014283.5(SUCO):c.2532T>C (p.Asn844=)

Gene: SUCO (SUN domain containing ossification factor; plus strand). Cytogenetic location: 1q24.3.
Variant type: single nucleotide variant.
Coding change: c.2532T>C on transcript NM_014283.5 (MANE Select); coding-DNA position 2532, T replaced by C.
Protein change: p.Asn844=; no amino-acid change (asparagine 844 retained).
Molecular consequence: synonymous variant. On other transcripts: intron variant (1).
Genome position (GRCh38, 1-based): chr1:172,589,633, T>C. VCF-style: chr1-172589633-T-C. GRCh37 (hg19) VCF-style: chr1-172558773-T-C.
Other names: c.2985T>C (NM_016227.3); c.843T>C, p.Asn281= (NM_001282751.2); c.2985T>C, p.Asn995= (NM_016227.4); c.1712+709T>C (NM_001282750.2).
Identifiers: ClinVar variation 1622865 (VCV001622865.10), dbSNP rs369972222, ClinGen allele CA1247099.
Genomic context (GRCh38, chr1:172,589,633, plus strand): 5'-AGTGCCACCAATAAATACAGCCACTGTACCCGACAATGAAGATGGGGAAGCCAAAATGAA[T>C]ATAGCTGACACAGCAAAGCAAACTTTGATTTCTGTTGTGGATTCTTCTTCATTACCTGAA-3'
Protein context (NP_055098.1, residues 834-854): PDNEDGEAKM[Asn844=]IADTAKQTLI